The following is an entry in ClinVar:

ClinVar aggregate classification (germline): Uncertain significance (1 of 4 stars; one submission).

Conditions:
Ellis-van Creveld syndrome (EVC). Also called: Chondroectodermal dysplasia; EVC-Related Ellis-van Creveld Syndrome; EVC2-Related Ellis-van Creveld Syndrome; MESOECTODERMAL DYSPLASIA. Identifiers: Orphanet 289, MedGen C0013903, MONDO:0009162, OMIM 225500.
Curry-Hall syndrome (WAD). Also called: WEYERS ACRODENTAL DYSOSTOSIS. Identifiers: Orphanet 952, MedGen C0457013, MONDO:0008673, OMIM 193530.

Allele frequency attached by ClinVar (database versions not stated): gnomAD exomes 0.00001; gnomAD 0.00003.
gnomAD v4.1: 11 of 1,552,386 alleles (0.00071%); highest among the groups gnomAD compares: South Asian, 0.013%; no homozygotes.

Submission:

Labcorp Genetics (formerly Invitae), Labcorp
Classification: Uncertain significance for Curry-Hall syndrome; Ellis-van Creveld syndrome. Last evaluated: 2022-08-09. Review status: criteria provided, single submitter. Criteria: Invitae Variant Classification Sherloc (09022015). Collection method: clinical testing. Allele origin: germline.
Comment: This sequence change replaces serine, which is neutral and polar, with phenylalanine, which is neutral and non-polar, at codon 601 of the EVC protein (p.Ser601Phe). This variant is not present in population databases (gnomAD no frequency). This variant has not been reported in the literature in individuals affected with EVC-related conditions. ClinVar contains an entry for this variant (Variation ID: 1523289). Algorithms developed to predict the effect of missense changes on protein structure and function are either unavailable or do not agree on the potential impact of this missense change (SIFT: "Deleterious"; PolyPhen-2: "Possibly Damaging"; Align-GVGD: "Class C0"). In summary, the available evidence is currently insufficient to determine the role of this variant in disease. Therefore, it has been classified as a Variant of Uncertain Significance.

NM_153717.3(EVC):c.1802C>T (p.Ser601Phe)

Gene: EVC (EvC ciliary complex subunit 1; plus strand). Cytogenetic location: 4p16.2.
Variant type: single nucleotide variant.
Coding change: c.1802C>T on transcript NM_153717.3 (MANE Select); coding-DNA position 1802, C replaced by T.
Protein change: p.Ser601Phe; replaces serine 601 with phenylalanine.
Molecular consequence: missense variant.
Genome position (GRCh38, 1-based): chr4:5,793,633, C>T. VCF-style: chr4-5793633-C-T. GRCh37 (hg19) VCF-style: chr4-5795360-C-T.
Other names: c.1802C>T, p.Ser601Phe (NM_001306090.2); short protein forms S601F.
Identifiers: ClinVar variation 1523289 (VCV001523289.6), dbSNP rs1713205522, ClinGen allele CA356141588.
Genomic context (GRCh38, chr4:5,793,633, plus strand): 5'-CACATGCCTGCTCTGTCCCTCTGTCCCGAGTTCAGGTGTGGATGGAGGAGTGTGCGCTGT[C>T]CAGCGTGCTGCAGACACACCTGCGGGAGGACCACGAGGGCACCATCCGCGGCGTCTTGGG-3'
Protein context (NP_714928.1, residues 591-611): QQVWMEECAL[Ser601Phe]SVLQTHLRED